The following is an entry in ClinVar:

NM_001754.5(RUNX1):c.1051G>A (p.Gly351Ser)

Gene: RUNX1 (RUNX family transcription factor 1; minus strand). Cytogenetic location: 21q22.12.
Variant type: single nucleotide variant.
Coding change: c.1051G>A on transcript NM_001754.5 (MANE Select); coding-DNA position 1051, G replaced by A.
Protein change: p.Gly351Ser; replaces glycine 351 with serine.
Molecular consequence: missense variant.
Genome position (GRCh38, 1-based): chr21:34,792,527, C>T on the plus strand (G>A on the coding strand, the complement: RUNX1 is on the minus strand). VCF-style: chr21-34792527-C-T. GRCh37 (hg19) VCF-style: chr21-36164824-C-T.
Other names: NM_001754.5(RUNX1):c.1051G>A; p.Gly351Ser; c.970G>A, p.Gly324Ser (NM_001001890.3); short protein forms G324S, G351S.
Identifiers: ClinVar variation 2060834 (VCV002060834.8), dbSNP rs2145877492, ClinGen allele CA410148333.

ClinVar aggregate classification (germline): Uncertain significance. Review status: reviewed by expert panel (3 of 4 stars). 3 submissions from 3 submitters: Uncertain significance (1). 2 of the submissions do not count toward it. Last evaluated 2025-05-02.

Conditions:
Hereditary thrombocytopenia and hematologic cancer predisposition syndrome. Identifiers: Orphanet 71290, MedGen CN281654, MONDO:0011071.
Inborn genetic diseases. Identifiers: MedGen C0950123, MeSH D030342.
Hereditary thrombocytopenia and hematological cancer predisposition syndrome associated with RUNX1. Also called: Familial Platelet Disorder with Propensity to Acute Myelogenous Leukemia; Familial thrombocytopenia with propensity to acute myelogenous leukemia; PLATELET DISORDER, ASPIRIN-LIKE; RUNX1 Familial Platelet Disorder with Associated Myeloid Malignancies. Identifiers: Orphanet 71290, MedGen C1832388, MeSH C563324, MONDO:0100083, OMIM 601399.

Allele frequency attached by ClinVar (database versions not stated): gnomAD exomes below 0.00001.
gnomAD v4.1: 4 of 1,605,910 alleles (0.00025%); highest among the groups gnomAD compares: Non-Finnish European, 0.00034%; no homozygotes.

Submissions (3):

ClinGen Myeloid Malignancy Variant Curation Expert Panel
Classification: Uncertain significance for Hereditary thrombocytopenia and hematologic cancer predisposition syndrome. Last evaluated: 2025-05-02. Review status: reviewed by expert panel. Criteria: ClinGen MyeloMalig ACMG Specifications v2. Collection method: curation. Allele origin: germline. Inheritance: Autosomal dominant inheritance.
Comment: NM_001754.5(RUNX1):c.1051G>A (p.Gly351Ser) is a missense variant. This variant is completely absent from all population databases with at least 20x coverage for RUNX1 in gnomAD v2.1.1 and v3.1.2 (PM2_supporting). This missense variant has a REVEL score < 0.50 (0.16) and SpliceAI score is ≤ 0.20 (0) (BP4). In summary, the clinical significance of this variant is uncertain. ACMG/AMP criteria applied, as specified by the Myeloid Malignancy Variant Curation Expert Panel for RUNX1: BP4, PM2_Supporting.

Ambry Genetics
Classification: Uncertain significance for Inborn genetic diseases. Last evaluated: 2025-09-05. Review status: criteria provided, single submitter. Criteria: Ambry Variant Classification Scheme 2023. Collection method: clinical testing. Allele origin: germline. Not counted in ClinVar's aggregate classification.

Labcorp Genetics (formerly Invitae), Labcorp
Classification: Uncertain significance for Hereditary thrombocytopenia and hematological cancer predisposition syndrome associated with RUNX1. Last evaluated: 2022-09-30. Review status: criteria provided, single submitter. Criteria: Invitae Variant Classification Sherloc (09022015). Collection method: clinical testing. Allele origin: germline. Not counted in ClinVar's aggregate classification.
Comment: This sequence change replaces glycine, which is neutral and non-polar, with serine, which is neutral and polar, at codon 351 of the RUNX1 protein (p.Gly351Ser). This variant is not present in population databases (gnomAD no frequency). This variant has not been reported in the literature in individuals affected with RUNX1-related conditions. Advanced modeling of protein sequence and biophysical properties (such as structural, functional, and spatial information, amino acid conservation, physicochemical variation, residue mobility, and thermodynamic stability) performed at Invitae indicates that this missense variant is not expected to disrupt RUNX1 protein function. In summary, the available evidence is currently insufficient to determine the role of this variant in disease. Therefore, it has been classified as a Variant of Uncertain Significance.